The following is an entry in ClinVar:

NM_003560.4(PLA2G6):c.1799G>A (p.Arg600Gln)

Gene: PLA2G6 (phospholipase A2 group VI; minus strand). Cytogenetic location: 22q13.1.
Variant type: single nucleotide variant.
Coding change: c.1799G>A on transcript NM_003560.4 (MANE Select); coding-DNA position 1799, G replaced by A.
Protein change: p.Arg600Gln; replaces arginine 600 with glutamine.
Molecular consequence: missense variant.
Genome position (GRCh38, 1-based): chr22:38,116,155, C>T on the plus strand (G>A on the coding strand, the complement: PLA2G6 is on the minus strand). VCF-style: chr22-38116155-C-T. GRCh37 (hg19) VCF-style: chr22-38512162-C-T.
Other names: NM_003560.4(PLA2G6):c.1799G>A; p.Arg600Gln; c.1637G>A, p.Arg546Gln (NM_001004426.3, NM_001199562.3, NM_001349865.2 and 1 more transcripts); c.1799G>A, p.Arg600Gln (NM_001349864.2); c.1265G>A, p.Arg422Gln (NM_001349867.2); c.1121G>A, p.Arg374Gln (NM_001349868.2); c.1103G>A, p.Arg368Gln (NM_001349869.2); short protein forms R600Q, R374Q, R546Q, R368Q, R422Q.
Identifiers: ClinVar variation 159748 (VCV000159748.44), dbSNP rs149712244, ClinGen allele CA173233.

ClinVar aggregate classification (germline): Pathogenic/Likely pathogenic. Review status: criteria provided, multiple submitters, no conflicts (2 of 4 stars). 16 submissions from 15 submitters: Pathogenic (9); Likely pathogenic (6). 1 of the submissions does not count toward it. Last evaluated 2026-10-18.

Conditions:
PLA2G6-associated neurodegeneration (PLAN). Also called: phospholipase A2-associated neurodegeneration. Identifiers: Orphanet 329303, MedGen CN204472, MONDO:0017998.
Infantile osteopetrosis with neuroaxonal dysplasia. Identifiers: Orphanet 85179, MedGen C1838258, MONDO:0010866, OMIM 600329.
PLA2G6-related disorder. Also called: PLA2G6-related condition.
Inborn genetic diseases. Identifiers: MedGen C0950123, MeSH D030342.
Neurodegeneration with brain iron accumulation 2B. Also called: aNAD; atypical Neuroaxonal Dystrophy (aNAD); NEUROAXONAL DYSTROPHY, ATYPICAL; NEURODEGENERATION WITH BRAIN IRON ACCUMULATION, PLA2G6-RELATED. Identifiers: Orphanet 35069, MedGen C1857747, MONDO:0012444, OMIM 610217.
Infantile neuroaxonal dystrophy (NBIA2A). Also called: NEURODEGENERATION WITH BRAIN IRON ACCUMULATION 2A; Infantile neuroaxonal dystrophy 1; SEITELBERGER DISEASE. Identifiers: Orphanet 35069, MedGen C0270724, MONDO:0024457, OMIM 256600.
Autosomal recessive Parkinson disease 14. Also called: DYSTONIA-PARKINSONISM, ADULT-ONSET; PARKINSON DISEASE 14. Identifiers: Orphanet 199351, MedGen C2751842, MONDO:0013060, OMIM 612953.
Neurodegeneration with brain iron accumulation (NBIA). Identifiers: Orphanet 385, MedGen C2931845, MONDO:0018307.
Iron accumulation in brain. Identifiers: MedGen C4021076, HP:0012675.

Allele frequency attached by ClinVar (database versions not stated): gnomAD 0.00009 and 0.00007; ESP Exome Variant Server 0.00015; gnomAD exomes 0.00001 and 0.00004; ExAC 0.00003; TOPMed 0.00012.
gnomAD v4.1: 33 of 1,613,822 alleles (0.002%); highest among the groups gnomAD compares: African/African-American, 0.02%; no homozygotes.

Submissions 1 to 8 of 16:

GeneDx
Classification: Pathogenic. Last evaluated: 2026-10-18. Review status: criteria provided, single submitter. Criteria: GeneDx Variant Classification Process June 2021. Collection method: clinical testing. Allele origin: germline.
Comment: In silico analysis supports that this missense variant has a deleterious effect on protein structure/function; This variant is associated with the following publications: (PMID: 35803092, 29472584, 30619057, 20301718, 24745848, 34272103, 33619735, 2668131, 34168672, 18443314, 26668131, 20619503, 32613234, 37403138, 39184971, Kiel2024[Abstract], 36790591, 39425167, 38693247, 33528536, 37645600, 40753802)

Labcorp Genetics (formerly Invitae), Labcorp
Classification: Pathogenic for Infantile neuroaxonal dystrophy. Last evaluated: 2026-01-31. Review status: criteria provided, single submitter. Criteria: Invitae Variant Classification Sherloc (09022015). Collection method: clinical testing. Allele origin: germline.
Comment: This sequence change replaces arginine, which is basic and polar, with glutamine, which is neutral and polar, at codon 600 of the PLA2G6 protein (p.Arg600Gln). This variant is present in population databases (rs149712244, gnomAD 0.02%). This missense change has been observed in individual(s) with infantile neuroaxonal dystrophy (PMID: 20619503, 26668131, 33619735). In at least one individual the data is consistent with being in trans (on the opposite chromosome) from a pathogenic variant. ClinVar contains an entry for this variant (Variation ID: 159748). Invitae Evidence Modeling of protein sequence and biophysical properties (such as structural, functional, and spatial information, amino acid conservation, physicochemical variation, residue mobility, and thermodynamic stability) indicates that this missense variant is expected to disrupt PLA2G6 protein function with a positive predictive value of 80%. For these reasons, this variant has been classified as Pathogenic.

3billion
Classification: Pathogenic for PLA2G6-related disorder. Last evaluated: 2025-11-16. Review status: criteria provided, single submitter. Criteria: ACMG Guidelines, 2015. Collection method: clinical testing. Allele origin: germline. Affected: yes.
Comment: The variant is observed at an extremely low frequency in the gnomAD v4.1.0 dataset (total allele frequency: 0.002%). Predicted Consequence/Location: Missense variant In silico tool predictions suggest damaging effect of the variant on gene or gene product [REVEL: 0.87 (>=0.6, sensitivity 0.68 and specificity 0.92); 3Cnet: 0.99 (> 0.75, sensitivity 0.96 and precision 0.92)]. The same nucleotide change resulting in the same amino acid change has been previously reported as pathogenic/likely pathogenic with strong evidence (ClinVar ID: VCV000159748 /PMID: 20619503 /3billion dataset). The variant has been reported to be in trans with a pathogenic variant as either compound heterozygous or homozygous in at least one similarly affected unrelated individual (PMID: 20619503). A different missense change at the same codon (p.Arg600Trp) has been reported as pathogenic/likely pathogenic with strong evidence (ClinVar ID: VCV001197568 /PMID: 24745848). Therefore, this variant is classified as Pathogenic according to the recommendation of ACMG/AMP guideline.

Genetics and Genomic Medicine Centre, NeuroGen Healthcare, NeuroGen Healthcare
Classification: Likely pathogenic for Infantile neuroaxonal dystrophy. Last evaluated: 2025-03-31. Review status: criteria provided, single submitter. Criteria: ACMG Guidelines, 2015. Collection method: clinical testing. Allele origin: unknown. Affected: yes.

Fulgent Genetics
Classification: Pathogenic for Infantile neuroaxonal dystrophy; Neurodegeneration with brain iron accumulation 2B; Autosomal recessive Parkinson disease 14. Last evaluated: 2024-06-06. Review status: criteria provided, single submitter. Criteria: ACMG Guidelines, 2015. Collection method: clinical testing. Allele origin: germline.

Women's Health and Genetics/Laboratory Corporation of America, LabCorp
Classification: Pathogenic for Neurodegeneration with brain iron accumulation. Last evaluated: 2023-03-21. Review status: criteria provided, single submitter. Criteria: LabCorp Variant Classification Summary - May 2015. Collection method: clinical testing. Allele origin: germline.
Comment: Variant summary: PLA2G6 c.1799G>A (p.Arg600Gln) results in a conservative amino acid change located in the Patatin-like phospholipase domain (IPR002641) of the encoded protein sequence. Four of five in-silico tools predict a damaging effect of the variant on protein function. The variant allele was found at a frequency of 3.6e-05 in 251096 control chromosomes. c.1799G>A has been reported in the literature in multiple individuals affected with Neurodegeneration With Brain Iron Accumulation/PLA2G6-associated neurodegeneration (PLAN) disorders (example, PMID: 34272103, 33619735, 26668131, 20619503). These data indicate that the variant is very likely to be associated with disease. To our knowledge, no experimental evidence demonstrating an impact on protein function has been reported. Nine clinical diagnostic laboratories have submitted clinical-significance assessments for this variant to ClinVar after 2014 without evidence for independent evaluation. All laboratories classified the variant as pathogenic/likely pathogenic. Based on the evidence outlined above, the variant was classified as pathogenic.

Broad Center for Mendelian Genomics, Broad Institute of MIT and Harvard
Classification: Likely pathogenic for PLA2G6-associated neurodegeneration. Last evaluated: 2023-01-24. Review status: criteria provided, single submitter. Criteria: ACMG Guidelines, 2015. Collection method: curation. Allele origin: germline. Inheritance: Autosomal recessive inheritance.
Comment: The p.Arg600Gln variant in PLA2G6 has been reported in 4 individuals with PLA2G6-associated neurodegeneration (PMID: 20619503, 34272103, 26668131, 33619735), and has been identified in 0.02% (6/24928) of African/African American chromosomes by the Genome Aggregation Database (gnomAD; dbSNP ID: rs149712244). Although this variant has been seen in the general population in a heterozygous state, its frequency is not high enough to rule out a pathogenic role. This variant has also been reported in ClinVar (Variation ID#: 159748) and has been interpreted as pathogenic and likely pathogenic by multiple submitters. Of the 4 affected individuals, 1 was a compound heterozygote that carried reported likely pathogenic variants in trans, and 2 were homozygotes, which increases the likelihood that the p.Arg600Gln variant is pathogenic (VariantID: 265448; PMID: 20619503, 34272103, 26668131). In vitro functional studies provide some evidence that the p.Arg600Gln variant may impact protein function (PMID: 26668131). However, these types of assays may not accurately represent biological function. Computational prediction tools and conservation analyses suggest that this variant may impact the protein, though this information is not predictive enough to determine pathogenicity. One additional likely pathogenic variant, resulting in a different amino acid change at the same position, p.Arg600Trp, has been reported in association with disease in ClinVar, slightly supporting that a change at this position may not be tolerated (Variation ID: 1197568). In summary, although additional studies are required to fully establish its clinical significance, this variant is likely pathogenic for autosomal recessive PLA2G6-associated neurodegeneration. ACMG/AMP Criteria applied: PP3, PM5_supporting, PM3_strong, PS3_supporting (Richards 2015).

Revvity Omics, Revvity
Classification: Likely pathogenic. Last evaluated: 2022-07-06. Review status: criteria provided, single submitter. Criteria: ACMG Guidelines, 2015. Collection method: clinical testing. Allele origin: germline.